The following is an entry in ClinVar:

ClinVar aggregate classification (germline): Likely pathogenic (1 of 4 stars; one submission).

Submission:

GeneDx
Classification: Likely pathogenic. Last evaluated: 2026-08-19. Review status: criteria provided, single submitter. Criteria: GeneDx Variant Classification Process June 2021. Collection method: clinical testing. Allele origin: germline.
Comment: Not observed at significant frequency in large population cohorts (gnomAD); In silico analysis supports that this missense variant has a deleterious effect on protein structure/function; Has not been previously published as pathogenic or benign to our knowledge

NM_001372066.1(TFAP2A):c.896C>A (p.Ala299Asp)

Gene: TFAP2A (transcription factor AP-2 alpha; minus strand). Cytogenetic location: 6p24.3.
Variant type: single nucleotide variant.
Coding change: c.896C>A on transcript NM_001372066.1 (MANE Select); coding-DNA position 896, C replaced by A.
Protein change: p.Ala299Asp; replaces alanine 299 with aspartic acid.
Molecular consequence: missense variant.
Genome position (GRCh38, 1-based): chr6:10,400,583, G>T on the plus strand (C>A on the coding strand, the complement: TFAP2A is on the minus strand). VCF-style: chr6-10400583-G-T. GRCh37 (hg19) VCF-style: chr6-10400816-G-T.
Other names: c.872C>A, p.Ala291Asp (NM_001032280.3); c.878C>A, p.Ala293Asp (NM_001042425.3); short protein forms A291D, A293D, A299D.
Identifiers: ClinVar variation 4538911 (VCV004538911.2).